The following is an entry in ClinVar:

NM_000143.4(FH):c.87T>A (p.Gly29=)

Gene: FH (fumarate hydratase; minus strand). Cytogenetic location: 1q43.
Variant type: single nucleotide variant.
Coding change: c.87T>A on transcript NM_000143.4 (MANE Select); coding-DNA position 87, T replaced by A.
Protein change: p.Gly29=; no amino-acid change (glycine 29 retained).
Molecular consequence: synonymous variant.
Genome position (GRCh38, 1-based): chr1:241,519,636, A>T on the plus strand (T>A on the coding strand, the complement: FH is on the minus strand). VCF-style: chr1-241519636-A-T. GRCh37 (hg19) VCF-style: chr1-241682936-A-T.
Identifiers: ClinVar variation 3773036 (VCV003773036.1).

ClinVar aggregate classification (germline): Benign (1 of 4 stars; one submission).

Conditions:
Hereditary leiomyomatosis and renal cell cancer. Also called: MULTIPLE CUTANEOUS AND UTERINE LEIOMYOMATA 1, WITH OR WITHOUT RENAL CELL CARCINOMA; LEIOMYOMA, MULTIPLE CUTANEOUS; FH tumor predisposition syndrome; Reed syndrome; Multiple cutaneous and uterine leiomyomatosis; Cutaneous leiomyomata with uterine leiomyomata. Identifiers: Orphanet 523, MedGen C1708350, MONDO:0007888, OMIM 150800, HP:0007437. Disease mechanism: loss of function.

gnomAD v4.1: 1 of 1,547,646 alleles (0.000065%); highest among the groups gnomAD compares: South Asian, 0.0012%; no homozygotes.

Submission:

Myriad Genetics, Inc.
Classification: Benign for Hereditary leiomyomatosis and renal cell cancer. Last evaluated: 2024-10-17. Review status: criteria provided, single submitter. Criteria: Myriad Autosomal Dominant, Autosomal Recessive and X-Linked Classification Criteria (2023). Collection method: clinical testing. Allele origin: unknown.
Comment: This variant is considered benign. This variant is a silent/synonymous amino acid change and it is not expected to impact splicing.